The following is an entry in ClinVar:

ClinVar aggregate classification (germline): Likely pathogenic (1 of 4 stars; one submission).

Conditions:
Tyrosinemia type I (TYRSN1). Also called: HEPATORENAL TYROSINEMIA; Tyrosinemia type 1; Fumarylacetoacetase deficiency; Deficiency of fumarylacetoacetase; FAH DEFICIENCY. Identifiers: Orphanet 882, MedGen C0268490, MONDO:0010161, OMIM 276700. Disease mechanism: loss of function.

Submission:

Labcorp Genetics (formerly Invitae), Labcorp
Classification: Likely pathogenic for Tyrosinemia type I. Last evaluated: 2023-05-08. Review status: criteria provided, single submitter. Criteria: Invitae Variant Classification Sherloc (09022015). Collection method: clinical testing. Allele origin: germline.
Comment: In summary, the currently available evidence indicates that the variant is pathogenic, but additional data are needed to prove that conclusively. Therefore, this variant has been classified as Likely Pathogenic. Algorithms developed to predict the effect of sequence changes on RNA splicing suggest that this variant may create or strengthen a splice site. Advanced modeling of protein sequence and biophysical properties (such as structural, functional, and spatial information, amino acid conservation, physicochemical variation, residue mobility, and thermodynamic stability) performed at Invitae indicates that this missense variant is expected to disrupt FAH protein function. This missense change has been observed in individual(s) with clinical features of tyrosinemia type I (Invitae). In at least one individual the data is consistent with being in trans (on the opposite chromosome) from a pathogenic variant. This variant is not present in population databases (gnomAD no frequency). This sequence change replaces serine, which is neutral and polar, with phenylalanine, which is neutral and non-polar, at codon 129 of the FAH protein (p.Ser129Phe).

NM_000137.4(FAH):c.386C>T (p.Ser129Phe)

Gene: FAH (fumarylacetoacetate hydrolase; plus strand). Cytogenetic location: 15q25.1.
Variant type: single nucleotide variant.
Coding change: c.386C>T on transcript NM_000137.4 (MANE Select); coding-DNA position 386, C replaced by T.
Protein change: p.Ser129Phe; replaces serine 129 with phenylalanine.
Molecular consequence: missense variant.
Genome position (GRCh38, 1-based): chr15:80,162,267, C>T. VCF-style: chr15-80162267-C-T. GRCh37 (hg19) VCF-style: chr15-80454609-C-T.
Other names: c.386C>T, p.Ser129Phe (NM_001374377.1, NM_001374380.1); short protein forms S129F.
Identifiers: ClinVar variation 2785104 (VCV002785104.3), dbSNP rs2505844529, ClinGen allele CA393619359.